The following is an entry in ClinVar:

NM_012193.4(FZD4):c.1517A>G (p.Lys506Arg)

Genes: FZD4 (frizzled class receptor 4; minus strand), PRSS23 (serine protease 23; plus strand). Cytogenetic location: 11q14.2.
Variant type: single nucleotide variant.
Coding change: c.1517A>G on transcript NM_012193.4 (MANE Select); coding-DNA position 1517, A replaced by G.
Protein change: p.Lys506Arg; replaces lysine 506 with arginine.
Molecular consequence: missense variant. On other transcripts: non-coding transcript variant (2).
Genome position (GRCh38, 1-based): chr11:86,951,239, T>C on the plus strand (A>G on the coding strand, the complement: FZD4 is on the minus strand). VCF-style: chr11-86951239-T-C. GRCh37 (hg19) VCF-style: chr11-86662281-T-C.
Other names: short protein forms K506R.
Identifiers: ClinVar variation 306404 (VCV000306404.10), dbSNP rs769786110, ClinGen allele CA6218308.

ClinVar aggregate classification (germline): Conflicting classifications of pathogenicity. Review status: criteria provided, conflicting classifications (1 of 4 stars). 3 submissions from 3 submitters: Uncertain significance (2); Likely benign (1). Last evaluated 2025-04-28.

Conditions:
Exudative vitreoretinopathy 1 (EVR1). Also called: CRISWICK-SCHEPENS SYNDROME; FEVR, AUTOSOMAL DOMINANT; Familial exudative vitreoretinopathy, autosomal dominant. Identifiers: Orphanet 891, Orphanet 90050, MedGen C1851402, MONDO:0007589, OMIM 133780.

Allele frequency attached by ClinVar (database versions not stated): ExAC 0.00002; gnomAD exomes 0.00002; TOPMed below 0.00001.
gnomAD v4.1: 26 of 1,614,168 alleles (0.0016%); highest among the groups gnomAD compares: Non-Finnish European, 0.0021%; no homozygotes.

Submissions (3):

Labcorp Genetics (formerly Invitae), Labcorp
Classification: Uncertain significance. Last evaluated: 2025-04-28. Review status: criteria provided, single submitter. Criteria: Invitae Variant Classification Sherloc (09022015). Collection method: clinical testing. Allele origin: germline.
Comment: This sequence change replaces lysine, which is basic and polar, with arginine, which is basic and polar, at codon 506 of the FZD4 protein (p.Lys506Arg). This variant is present in population databases (rs769786110, gnomAD 0.01%). This variant has not been reported in the literature in individuals affected with FZD4-related conditions. ClinVar contains an entry for this variant (Variation ID: 306404). Invitae Evidence Modeling of protein sequence and biophysical properties (such as structural, functional, and spatial information, amino acid conservation, physicochemical variation, residue mobility, and thermodynamic stability) indicates that this missense variant is not expected to disrupt FZD4 protein function with a negative predictive value of 80%. In summary, the available evidence is currently insufficient to determine the role of this variant in disease. Therefore, it has been classified as a Variant of Uncertain Significance.

Blueprint Genetics
Classification: Uncertain significance. Last evaluated: 2024-10-16. Review status: criteria provided, single submitter. Criteria: ACMG Guidelines, 2015. Collection method: clinical testing. Allele origin: germline.

Illumina Laboratory Services, Illumina
Classification: Likely benign for Exudative vitreoretinopathy 1. Last evaluated: 2018-01-13. Review status: criteria provided, single submitter. Criteria: ICSL Variant Classification Criteria 13 December 2019. Collection method: clinical testing. Allele origin: germline.
Comment: This variant was observed in the ICSL laboratory as part of a predisposition screen in an ostensibly healthy population. It had not been previously curated by ICSL or reported in the Human Gene Mutation Database (HGMD: prior to June 1st, 2018), and was therefore a candidate for classification through an automated scoring system. Utilizing variant allele frequency, disease prevalence and penetrance estimates, and inheritance mode, an automated score was calculated to assess if this variant is too frequent to cause the disease. Based on the score and internal cut-off values, a variant classified as likely benign is not then subjected to further curation. The score for this variant resulted in a classification of likely benign for this disease.